The following is an entry in ClinVar:

ClinVar aggregate classification (germline): Uncertain significance (1 of 4 stars; one submission).

Conditions:
Familial hemophagocytic lymphohistiocytosis 2 (FHL2). Also called: PRF1-Related Familial Hemophagocytic Lymphohistiocytosis (PRF1-fHLH). Identifiers: Orphanet 540, MedGen C1863727, MONDO:0011337, OMIM 603553.

Allele frequency attached by ClinVar (database versions not stated): gnomAD 0.00001; gnomAD exomes 0.00001; TOPMed 0.00001; ExAC 0.00002.
gnomAD v4.1: 17 of 1,614,232 alleles (0.0011%); highest among the groups gnomAD compares: Middle Eastern, 0.033%; no homozygotes.

Submission:

Labcorp Genetics (formerly Invitae), Labcorp
Classification: Uncertain significance for Familial hemophagocytic lymphohistiocytosis 2. Last evaluated: 2022-08-09. Review status: criteria provided, single submitter. Criteria: Invitae Variant Classification Sherloc (09022015). Collection method: clinical testing. Allele origin: germline.
Comment: This sequence change replaces serine, which is neutral and polar, with leucine, which is neutral and non-polar, at codon 331 of the PRF1 protein (p.Ser331Leu). This variant is present in population databases (rs769364825, gnomAD 0.002%). This missense change has been observed in individual(s) with clinically suspected familial hemophagocytic lymphohistiocytosis (PMID: 24916509). ClinVar contains an entry for this variant (Variation ID: 468314). Algorithms developed to predict the effect of missense changes on protein structure and function (SIFT, PolyPhen-2, Align-GVGD) all suggest that this variant is likely to be disruptive. In summary, the available evidence is currently insufficient to determine the role of this variant in disease. Therefore, it has been classified as a Variant of Uncertain Significance.

Literature cited by the submitters: PubMed 24916509.

NM_001083116.3(PRF1):c.992C>T (p.Ser331Leu)

Gene: PRF1 (perforin 1; minus strand). Cytogenetic location: 10q22.1.
Variant type: single nucleotide variant.
Coding change: c.992C>T on transcript NM_001083116.3 (MANE Select); coding-DNA position 992, C replaced by T.
Protein change: p.Ser331Leu; replaces serine 331 with leucine.
Molecular consequence: missense variant.
Genome position (GRCh38, 1-based): chr10:70,598,729, G>A on the plus strand (C>T on the coding strand, the complement: PRF1 is on the minus strand). VCF-style: chr10-70598729-G-A. GRCh37 (hg19) VCF-style: chr10-72358485-G-A.
Other names: c.992C>T, p.Ser331Leu (NM_005041.6); short protein forms S331L.
Identifiers: ClinVar variation 468314 (VCV000468314.6), dbSNP rs769364825, ClinGen allele CA5538858.
Genomic context (GRCh38, chr10:70,598,729, plus strand): 5'-TCCAGCAGCACGTGCAGGGGTTCCAGGGTGTAGTCCACCAGGCCAGGGCTGCCGGGCAGC[G>A]AGTTTACCCAGGCTGAGTACTGCTCGGGCCCGGCCTGGATCCCGAACAGCAGGTCGTTAA-3'
Protein context (NP_001076585.1, residues 321-341): GPEQYSAWVN[Ser331Leu]LPGSPGLVDY